The following is an entry in ClinVar:

NM_001754.5(RUNX1):c.1162T>A (p.Ser388Thr)

Gene: RUNX1 (RUNX family transcription factor 1; minus strand). Cytogenetic location: 21q22.12.
Variant type: single nucleotide variant.
Coding change: c.1162T>A on transcript NM_001754.5 (MANE Select); coding-DNA position 1162, T replaced by A.
Protein change: p.Ser388Thr; replaces serine 388 with threonine.
Molecular consequence: missense variant.
Genome position (GRCh38, 1-based): chr21:34,792,416, A>T on the plus strand (T>A on the coding strand, the complement: RUNX1 is on the minus strand). VCF-style: chr21-34792416-A-T. GRCh37 (hg19) VCF-style: chr21-36164713-A-T.
Other names: NM_001754.5(RUNX1):c.1162T>A; p.Ser388Thr; c.1081T>A, p.Ser361Thr (NM_001001890.3); short protein forms S361T, S388T.
Identifiers: ClinVar variation 2465691 (VCV002465691.4), dbSNP rs2516820841, ClinGen allele CA410147913.

ClinVar aggregate classification (germline): Uncertain significance. Review status: reviewed by expert panel (3 of 4 stars). 2 submissions from 2 submitters: Uncertain significance (1). 1 of the submissions does not count toward it. Last evaluated 2024-09-25.

Conditions:
Hereditary thrombocytopenia and hematologic cancer predisposition syndrome. Identifiers: Orphanet 71290, MedGen CN281654, MONDO:0011071.
Inborn genetic diseases. Identifiers: MedGen C0950123, MeSH D030342.

Submissions (2):

ClinGen Myeloid Malignancy Variant Curation Expert Panel
Classification: Uncertain significance for Hereditary thrombocytopenia and hematologic cancer predisposition syndrome. Last evaluated: 2024-09-25. Review status: reviewed by expert panel. Criteria: ClinGen MyeloMalig ACMG Specifications v2. Collection method: curation. Allele origin: germline. Inheritance: Autosomal dominant inheritance.
Comment: NM_001754.5(RUNX1):c.1162T>A (p.Ser388Thr) is a missense variant. This variant is completely absent from all population databases with at least 20x coverage for RUNX1 in gnomAD (PM2_supporting). This missense variant has a REVEL score <0.50 (0.154) and a spliceAI score <0.2 (0.0) (BP4). The c.1162T>A variant is the same amino acid change (p.Ser388Thr) as a previously established likely pathogenic variant (ClinVar ID 561222) curated using MM-VCEP rules for RUNX1 and RNA data or agreement in splicing predictors (SSF and MES) show no splicing effects (PS1_Moderate). In summary, the clinical significance of this variant is uncertain. ACMG/AMP criteria applied, as specified by the Myeloid Malignancy Variant Curation Expert Panel for RUNX1: PM2_supporting, BP4, PS1_moderate.

Ambry Genetics
Classification: Uncertain significance for Inborn genetic diseases. Last evaluated: 2025-07-19. Review status: criteria provided, single submitter. Criteria: Ambry Variant Classification Scheme 2023. Collection method: clinical testing. Allele origin: germline. Not counted in ClinVar's aggregate classification.
Comment: The p.S388T variant (also known as c.1162T>A), located in coding exon 8 of the RUNX1 gene, results from a T to A substitution at nucleotide position 1162. The serine at codon 388 is replaced by threonine, an amino acid with similar properties. This amino acid position is conserved. In addition, this alteration is predicted to be tolerated by in silico analysis. Based on the available evidence, the clinical significance of this variant remains unclear.